The following is an entry in ClinVar:

NM_005732.4(RAD50):c.916G>T (p.Asp306Tyr)

Gene: RAD50 (RAD50 double strand break repair protein; plus strand). Cytogenetic location: 5q31.1.
Variant type: single nucleotide variant.
Coding change: c.916G>T on transcript NM_005732.4 (MANE Select); coding-DNA position 916, G replaced by T.
Protein change: p.Asp306Tyr; replaces aspartic acid 306 with tyrosine.
Molecular consequence: missense variant.
Genome position (GRCh38, 1-based): chr5:132,587,954, G>T. VCF-style: chr5-132587954-G-T. GRCh37 (hg19) VCF-style: chr5-131923646-G-T.
Other names: short protein forms D306Y.
Identifiers: ClinVar variation 527371 (VCV000527371.12), dbSNP rs1441242803, ClinGen allele CA360940884.
Genomic context (GRCh38, chr5:132,587,954, plus strand): 5'-ATTAAAGCTTTTTATTTTGGTGTTACACAGGTTTTTCAAGGGACTGATGAGCAACTAAAT[G>T]ACTTATATCACAATCACCAGAGAACAGTAAGGGAGAAAGAAAGGAAATTGGTAGACTGTC-3'
Protein context (NP_005723.2, residues 296-316): VFQGTDEQLN[Asp306Tyr]LYHNHQRTVR

ClinVar aggregate classification (germline): Uncertain significance. Review status: criteria provided, multiple submitters, no conflicts (2 of 4 stars). 2 submissions from 2 submitters: Uncertain significance (2). Last evaluated 2024-05-31.

Conditions:
Hereditary cancer-predisposing syndrome. Also called: Neoplastic Syndromes, Hereditary; Tumor predisposition; Hereditary Cancer Syndrome; Hereditary neoplastic syndrome. Identifiers: Orphanet 140162, MedGen C0027672, MeSH D009386, MONDO:0015356.

Allele frequency attached by ClinVar (database versions not stated): gnomAD exomes below 0.00001.
gnomAD v4.1: 1 of 1,613,144 alleles (0.000062%); highest among the groups gnomAD compares: Admixed American, 0.0017%; no homozygotes.

Submissions (2):

Ambry Genetics
Classification: Uncertain significance for Hereditary cancer-predisposing syndrome. Last evaluated: 2024-05-31. Review status: criteria provided, single submitter. Criteria: Ambry Variant Classification Scheme 2023. Collection method: clinical testing. Allele origin: germline.
Comment: The p.D306Y variant (also known as c.916G>T), located in coding exon 7 of the RAD50 gene, results from a G to T substitution at nucleotide position 916. The aspartic acid at codon 306 is replaced by tyrosine, an amino acid with highly dissimilar properties. This amino acid position is conserved. In addition, the in silico prediction for this alteration is inconclusive. Since supporting evidence is limited at this time, the clinical significance of this alteration remains unclear.

Labcorp Genetics (formerly Invitae), Labcorp
Classification: Uncertain significance for Hereditary cancer-predisposing syndrome. Last evaluated: 2022-06-21. Review status: criteria provided, single submitter. Criteria: Invitae Variant Classification Sherloc (09022015). Collection method: clinical testing. Allele origin: germline.
Comment: In summary, the available evidence is currently insufficient to determine the role of this variant in disease. Therefore, it has been classified as a Variant of Uncertain Significance. Algorithms developed to predict the effect of missense changes on protein structure and function (SIFT, PolyPhen-2, Align-GVGD) all suggest that this variant is likely to be tolerated. ClinVar contains an entry for this variant (Variation ID: 527371). This variant has not been reported in the literature in individuals affected with RAD50-related conditions. This variant is not present in population databases (gnomAD no frequency). This sequence change replaces aspartic acid, which is acidic and polar, with tyrosine, which is neutral and polar, at codon 306 of the RAD50 protein (p.Asp306Tyr).